The following is an entry in ClinVar:

ClinVar aggregate classification (germline): Uncertain significance (1 of 4 stars; one submission).

Conditions:
Autoimmune lymphoproliferative syndrome, type III caused by mutation in PRKCD. Identifiers: Orphanet 3261, Orphanet 664711, MedGen C3809928, MONDO:8000024, OMIM 615559.

Allele frequency attached by ClinVar (database versions not stated): gnomAD 0.00001 and 0.00002; gnomAD exomes 0.00011; 1000 Genomes Project 30x 0.00016; 1000 Genomes Project 0.00020; ExAC 0.00010; TOPMed 0.00001.
gnomAD v4.1: 68 of 1,614,140 alleles (0.0042%); highest among the groups gnomAD compares: South Asian, 0.057%; no homozygotes.

Submission:

Labcorp Genetics (formerly Invitae), Labcorp
Classification: Uncertain significance for Autoimmune lymphoproliferative syndrome, type III caused by mutation in PRKCD. Last evaluated: 2024-02-24. Review status: criteria provided, single submitter. Criteria: Invitae Variant Classification Sherloc (09022015). Collection method: clinical testing. Allele origin: germline.
Comment: This sequence change replaces arginine, which is basic and polar, with cysteine, which is neutral and slightly polar, at codon 132 of the PRKCD protein (p.Arg132Cys). This variant is present in population databases (rs375221270, gnomAD 0.07%). This variant has not been reported in the literature in individuals affected with PRKCD-related conditions. ClinVar contains an entry for this variant (Variation ID: 1502740). An algorithm developed to predict the effect of missense changes on protein structure and function (PolyPhen-2) suggests that this variant is likely to be disruptive. In summary, the available evidence is currently insufficient to determine the role of this variant in disease. Therefore, it has been classified as a Variant of Uncertain Significance.

NM_006254.4(PRKCD):c.394C>T (p.Arg132Cys)

Gene: PRKCD (protein kinase C delta; plus strand). Cytogenetic location: 3p21.1.
Variant type: single nucleotide variant.
Coding change: c.394C>T on transcript NM_006254.4 (MANE Select); coding-DNA position 394, C replaced by T.
Protein change: p.Arg132Cys; replaces arginine 132 with cysteine.
Molecular consequence: missense variant.
Genome position (GRCh38, 1-based): chr3:53,181,461, C>T. VCF-style: chr3-53181461-C-T. GRCh37 (hg19) VCF-style: chr3-53215477-C-T.
Other names: c.394C>T, p.Arg132Cys (NM_001316327.2, NM_001354679.2, NM_001354680.2 and 1 more transcripts); c.451C>T, p.Arg151Cys (NM_001354676.2); c.442C>T, p.Arg148Cys (NM_001354678.2); short protein forms R148C, R132C, R151C.
Identifiers: ClinVar variation 1502740 (VCV001502740.7), dbSNP rs375221270, ClinGen allele CA2451788.
Genomic context (GRCh38, chr3:53,181,461, plus strand): 5'-CTTCCAGATACCAGGGCTGACTTCCCTACTCCATGGTCACCAGATTGCAAACAGTCTATG[C>T]GCAGTGAGGACGAGGCCAAGTTCCCAACGATGAACCGCCGCGGAGCCATCAAACAGGCCA-3'
Protein context (NP_006245.2, residues 122-142): LEDVDCKQSM[Arg132Cys]SEDEAKFPTM